The following is an entry in ClinVar:

ClinVar aggregate classification (germline): Pathogenic. Review status: criteria provided, multiple submitters, no conflicts (2 of 4 stars). 3 submissions from 3 submitters: Pathogenic (3). Last evaluated 2025-12-08.

Conditions:
Hereditary cancer-predisposing syndrome. Also called: Tumor predisposition; Neoplastic Syndromes, Hereditary; Hereditary Cancer Syndrome; Hereditary neoplastic syndrome. Identifiers: Orphanet 140162, MedGen C0027672, MeSH D009386, MONDO:0015356.
Juvenile polyposis syndrome (JPS). Identifiers: Orphanet 2929, MedGen C0345893, MONDO:0017380, OMIM 174900.

Submissions (3):

Ambry Genetics
Classification: Pathogenic for Hereditary cancer-predisposing syndrome. Last evaluated: 2025-12-08. Review status: criteria provided, single submitter. Criteria: Ambry Variant Classification Scheme 2023. Collection method: clinical testing. Allele origin: germline.
Comment: The c.128_137del10 pathogenic mutation, located in coding exon 2 of the BMPR1A gene, results from a deletion of 10 nucleotides at nucleotide positions 128 to 137, causing a translational frameshift with a predicted alternate stop codon (p.K43Mfs*3). This variant is considered to be rare based on population cohorts in the Genome Aggregation Database (gnomAD). This alteration is expected to result in loss of function by premature protein truncation or nonsense-mediated mRNA decay. As such, this alteration is interpreted as a disease-causing mutation.

Labcorp Genetics (formerly Invitae), Labcorp
Classification: Pathogenic for Juvenile polyposis syndrome. Last evaluated: 2023-08-31. Review status: criteria provided, single submitter. Criteria: Invitae Variant Classification Sherloc (09022015). Collection method: clinical testing. Allele origin: germline.
Comment: For these reasons, this variant has been classified as Pathogenic. ClinVar contains an entry for this variant (Variation ID: 1767721). This variant has not been reported in the literature in individuals affected with BMPR1A-related conditions. This variant is not present in population databases (gnomAD no frequency). This sequence change creates a premature translational stop signal (p.Lys43Metfs*3) in the BMPR1A gene. It is expected to result in an absent or disrupted protein product. Loss-of-function variants in BMPR1A are known to be pathogenic (PMID: 11536076, 12417513).

Myriad Genetics, Inc.
Classification: Pathogenic for Juvenile polyposis syndrome. Last evaluated: 2023-07-07. Review status: criteria provided, single submitter. Criteria: Myriad Autosomal Dominant, Autosomal Recessive and X-Linked Classification Criteria (2023). Collection method: clinical testing. Allele origin: unknown.
Comment: This variant is considered pathogenic. This variant creates a frameshift predicted to result in premature protein truncation.

Literature cited by the submitters: PubMed 11536076 (cited by Labcorp Genetics (formerly Invitae), Labcorp); PubMed 12417513 (cited by Labcorp Genetics (formerly Invitae), Labcorp).

NM_004329.3(BMPR1A):c.128_137del (p.Lys43fs)

Gene: BMPR1A (bone morphogenetic protein receptor type 1A; plus strand). Cytogenetic location: 10q23.2.
Variant type: Deletion.
Coding change: c.128_137del on transcript NM_004329.3 (MANE Select); coding-DNA positions 128 to 137, 10 bases deleted (AGTCAGAAAA; older notation c.128_137delAGTCAGAAAA).
Protein change: p.Lys43fs; shifts the reading frame from lysine 43.
Molecular consequence: frameshift variant.
Genome position (GRCh38, 1-based): chr10:86,890,122-86,890,131, AGTCAGAAAA deleted; deleting any 10 consecutive bases within chr10:86,890,115-86,890,131 gives the same sequence; the c. name uses the placement nearest the transcript's 3' end. VCF-style (leftmost placement, unchanged base first): chr10-86890114-CCAGAAAAAGT-C. GRCh37 (hg19) VCF-style: chr10-88649871-CCAGAAAAAGT-C.
Other names: c.128_137delAGTCAGAAAA, p.Lys43Metfs (NM_001406559.1, NM_001406560.1, NM_001406561.1 and 23 more transcripts); c.44_53delAGTCAGAAAA, p.Lys15Metfs (NM_001406584.1, NM_001406585.1, NM_001406586.1 and 2 more transcripts); c.128_137del10 (NM_004329.2); short protein forms K43fs.
Identifiers: ClinVar variation 1767721 (VCV001767721.7), dbSNP rs2539431097, ClinGen allele CA2580082076.